The following is an entry in ClinVar:

ClinVar aggregate classification (germline): Benign. Review status: criteria provided, multiple submitters, no conflicts (2 of 4 stars). 6 submissions from 5 submitters: Benign (5). 1 of the submissions does not count toward it. Last evaluated 2024-11-28.

Conditions:
Corneal dystrophy, Fuchs endothelial, 3 (FECD3). Also called: FCD2 LOCUS. Identifiers: Orphanet 98974, MedGen C2750451, MONDO:0013203, OMIM 613267.
Pitt-Hopkins syndrome (PTHS). Also called: MENTAL RETARDATION, SYNDROMAL, WITH INTERMITTENT HYPERVENTILATION; ENCEPHALOPATHY, SEVERE EPILEPTIC, WITH AUTONOMIC DYSFUNCTION. Identifiers: Orphanet 2896, MedGen C1970431, MONDO:0012589, OMIM 610954.

Allele frequency attached by ClinVar (database versions not stated): gnomAD 0.15868 and 0.16394; TOPMed 0.16729; 1000 Genomes Project 30x 0.18645; 1000 Genomes Project 0.19229; gnomAD exomes 0.19347 and 0.21303; ExAC 0.21729.
gnomAD v4.1: 297,579 of 1,557,378 alleles (19%); highest among the groups gnomAD compares: East Asian, 47%; 31,698 homozygotes.

Submissions (6):

Blueprint Genetics
Classification: Benign. Last evaluated: 2024-11-28. Review status: criteria provided, single submitter. Criteria: ACMG Guidelines, 2015. Collection method: clinical testing. Allele origin: germline.

Genome-Nilou Lab
Classification: Benign for Corneal dystrophy, Fuchs endothelial, 3. Last evaluated: 2021-07-15. Review status: criteria provided, single submitter. Criteria: ACMG Guidelines, 2015. Collection method: clinical testing. Allele origin: germline. Affected: no.

Genome-Nilou Lab
Classification: Benign for Pitt-Hopkins syndrome. Last evaluated: 2021-07-15. Review status: criteria provided, single submitter. Criteria: ACMG Guidelines, 2015. Collection method: clinical testing. Allele origin: germline. Affected: no.

GeneDx
Classification: Benign. Last evaluated: 2018-06-14. Review status: criteria provided, single submitter. Criteria: GeneDx Variant Classification (06012015). Collection method: clinical testing. Allele origin: germline. Affected: yes.
Comment: This variant is considered likely benign or benign based on one or more of the following criteria: it is a conservative change, it occurs at a poorly conserved position in the protein, it is predicted to be benign by multiple in silico algorithms, and/or has population frequency not consistent with disease.

Breakthrough Genomics
Classification: Benign. Review status: criteria provided, single submitter. Criteria: ACMG Guidelines, 2015. Collection method: not provided. Allele origin: germline. Inheritance: Autosomal dominant inheritance. Affected: yes.

Genetic Services Laboratory, University of Chicago
Classification: Likely benign. Review status: no assertion criteria provided. Collection method: clinical testing. Allele origin: germline. Inheritance: Autosomal dominant inheritance. Not counted in ClinVar's aggregate classification.
Comment: Likely benign based on allele frequency in 1000 Genomes Project or ESP global frequency and its presence in a patient with a rare or unrelated disease phenotype. NOT Sanger confirmed

NM_001083962.2(TCF4):c.305-165C>T

Gene: TCF4 (transcription factor 4; minus strand). Cytogenetic location: 18q21.2.
Variant type: single nucleotide variant.
Coding change: c.305-165C>T on transcript NM_001083962.2 (MANE Select); 165 bases into the intron before coding-DNA position 305, C replaced by T.
Molecular consequence: intron variant. On other transcripts: missense variant (2).
Genome position (GRCh38, 1-based): chr18:55,403,683, G>A on the plus strand (C>T on the coding strand, the complement: TCF4 is on the minus strand). VCF-style: chr18-55403683-G-A. GRCh37 (hg19) VCF-style: chr18-53070914-G-A.
Other names: c.32C>T, p.Ala11Val (NM_001243232.1, NM_001306208.1); c.611-165C>T (NM_001243226.3); c.233-165C>T (NM_001369584.1, NM_001369576.1, NM_001369577.1 and 15 more transcripts); c.305-165C>T (NM_001369571.1, NM_001369567.1, NM_001243228.2 and 8 more transcripts); c.299-165C>T (NM_001243230.2); c.179-165C>T (NM_001243231.2, NM_001348211.2); c.-83-165C>T (NM_001348212.2); c.-86-165C>T (NM_001348213.2, NM_001243233.2); short protein forms A11V.
Identifiers: ClinVar variation 160083 (VCV000160083.10), dbSNP rs17522826, ClinGen allele CA173649.
Genomic context (GRCh38, chr18:55,403,683, plus strand): 5'-AAAGTAGGCACTACTGGCAATGTATGCAAGCAAGAGAGGGAATAACACTTCCTCACTCTG[G>A]CTATGATAAACTGGAAAAAAATATCCTTCATTCCTATTCTTAGCCAAACTGCTCCACACT-3'